The following is an entry in ClinVar:

ClinVar aggregate classification (germline): Conflicting classifications of pathogenicity. Review status: criteria provided, conflicting classifications (1 of 4 stars). 2 submissions from 2 submitters: Likely pathogenic (1); Uncertain significance (1). Last evaluated 2024-05-31.

Conditions:
Acroosteolysis-keloid-like lesions-premature aging syndrome. Also called: Progeroid syndrome, Penttinen type; Premature aging syndrome, Penttinen type; Prematurely aged appearance, delayed bone maturation, acro-osteolysis, and brachydactyly. Identifiers: Orphanet 363665, MedGen C1866182, MONDO:0011150, OMIM 601812.
Basal ganglia calcification, idiopathic, 4 (PFBC4). Also called: Familial Idiopathic Basal Ganglia Calcification 4; PRIMARY FAMILIAL BRAIN CALCIFICATION 4, AUTOSOMAL DOMINANT. Identifiers: Orphanet 1980, MedGen C3554321, MONDO:0014004, OMIM 615007.
Infantile myofibromatosis (IMF). Also called: Congenital generalized fibromatosis. Identifiers: Orphanet 2591, MedGen C0432284, MONDO:0016824.
Skeletal overgrowth-craniofacial dysmorphism-hyperelastic skin-white matter lesions syndrome. Also called: SKELETAL OVERGROWTH WITH FACIAL DYSMORPHISM, HYPERELASTIC SKIN, WHITE MATTER LESIONS, AND NEUROLOGIC DETERIORATION; Kosaki overgrowth syndrome. Identifiers: Orphanet 477831, MedGen C4225270, MONDO:0014704, OMIM 616592.

Allele frequency attached by ClinVar (database versions not stated): TOPMed 0.00001.

Submissions (2):

GeneDx
Classification: Likely pathogenic. Last evaluated: 2024-05-31. Review status: criteria provided, single submitter. Criteria: GeneDx Variant Classification Process June 2021. Collection method: clinical testing. Allele origin: germline. Affected: yes.
Comment: Published functional studies demonstrate a gain of function effect (PMID: 38374928); Not observed at significant frequency in large population cohorts (gnomAD); This variant is associated with the following publications: (PMID: 38374928)

Labcorp Genetics (formerly Invitae), Labcorp
Classification: Uncertain significance for Basal ganglia calcification, idiopathic, 4; Skeletal overgrowth-craniofacial dysmorphism-hyperelastic skin-white matter lesions syndrome; Infantile myofibromatosis; Acroosteolysis-keloid-like lesions-premature aging syndrome. Last evaluated: 2024-03-02. Review status: criteria provided, single submitter. Criteria: Invitae Variant Classification Sherloc (09022015). Collection method: clinical testing. Allele origin: germline.
Comment: This sequence change replaces tyrosine, which is neutral and polar, with cysteine, which is neutral and slightly polar, at codon 589 of the PDGFRB protein (p.Tyr589Cys). This variant is not present in population databases (gnomAD no frequency). This variant has not been reported in the literature in individuals affected with PDGFRB-related conditions. ClinVar contains an entry for this variant (Variation ID: 863633). Advanced modeling of protein sequence and biophysical properties (such as structural, functional, and spatial information, amino acid conservation, physicochemical variation, residue mobility, and thermodynamic stability) has been performed at Invitae for this missense variant, however the output from this modeling did not meet the statistical confidence thresholds required to predict the impact of this variant on PDGFRB protein function. In summary, the available evidence is currently insufficient to determine the role of this variant in disease. Therefore, it has been classified as a Variant of Uncertain Significance.

NM_002609.4(PDGFRB):c.1766A>G (p.Tyr589Cys)

Gene: PDGFRB (platelet derived growth factor receptor beta; minus strand). Cytogenetic location: 5q32.
Variant type: single nucleotide variant.
Coding change: c.1766A>G on transcript NM_002609.4 (MANE Select); coding-DNA position 1766, A replaced by G.
Protein change: p.Tyr589Cys; replaces tyrosine 589 with cysteine.
Molecular consequence: missense variant.
Genome position (GRCh38, 1-based): chr5:150,125,486, T>C on the plus strand (A>G on the coding strand, the complement: PDGFRB is on the minus strand). VCF-style: chr5-150125486-T-C. GRCh37 (hg19) VCF-style: chr5-149505049-T-C.
Other names: c.1574A>G, p.Tyr525Cys (NM_001355016.2); c.1283A>G, p.Tyr428Cys (NM_001355017.2); short protein forms Y525C, Y428C, Y589C.
Identifiers: ClinVar variation 863633 (VCV000863633.11), dbSNP rs1760269359, ClinGen allele CA361766001.